The following is an entry in ClinVar:

NC_000008.10:g.(?_145663834)_(145663963_?)del

Gene: TONSL (tonsoku like, DNA repair protein; minus strand). Cytogenetic location: 8q24.3.
Variant type: Deletion.
Identifiers: ClinVar variation 1433543 (VCV001433543.6).

ClinVar aggregate classification (germline): Uncertain significance (1 of 4 stars; one submission).

Submission:

Labcorp Genetics (formerly Invitae), Labcorp
Classification: Uncertain significance. Last evaluated: 2021-02-23. Review status: criteria provided, single submitter. Criteria: Invitae Variant Classification Sherloc (09022015). Collection method: clinical testing. Allele origin: germline.
Comment: This variant has not been reported in the literature in individuals with TONSL-related conditions. In summary, the available evidence is currently insufficient to determine the role of this variant in disease. Therefore, it has been classified as a Variant of Uncertain Significance. Experimental studies and prediction algorithms are not available or were not evaluated, and the functional significance of this variant is currently unknown. This variant is a gross deletion of the genomic region encompassing exon(s) 13 of the TONSL gene. This variant would be expected to be in-frame, preserving the integrity of the reading frame.